The following is an entry in ClinVar:

ClinVar aggregate classification (germline): Uncertain significance (1 of 4 stars; one submission).

Submission:

Labcorp Genetics (formerly Invitae), Labcorp
Classification: Uncertain significance. Last evaluated: 2022-07-12. Review status: criteria provided, single submitter. Criteria: Invitae Variant Classification Sherloc (09022015). Collection method: clinical testing. Allele origin: germline.
Comment: Algorithms developed to predict the effect of missense changes on protein structure and function are either unavailable or do not agree on the potential impact of this missense change (SIFT: "Tolerated"; PolyPhen-2: "Probably Damaging"; Align-GVGD: "Class C0"). This sequence change replaces glutamic acid, which is acidic and polar, with alanine, which is neutral and non-polar, at codon 3091 of the EYS protein (p.Glu3091Ala). This variant is not present in population databases (gnomAD no frequency). This variant has not been reported in the literature in individuals affected with EYS-related conditions. ClinVar contains an entry for this variant (Variation ID: 1039162). In summary, the available evidence is currently insufficient to determine the role of this variant in disease. Therefore, it has been classified as a Variant of Uncertain Significance.

NM_001142800.2(EYS):c.9272A>C (p.Glu3091Ala)

Genes: EYS (eyes shut homolog; minus strand), PHF3 (PHD finger protein 3; plus strand). Cytogenetic location: 6q12.
Variant type: single nucleotide variant.
Coding change: c.9272A>C on transcript NM_001142800.2 (MANE Select); coding-DNA position 9272, A replaced by C.
Protein change: p.Glu3091Ala; replaces glutamic acid 3091 with alanine.
Molecular consequence: missense variant. On other transcripts: 3 prime UTR variant (5).
Genome position (GRCh38, 1-based): chr6:63,720,759, T>G on the plus strand (A>C on the coding strand, the complement: EYS is on the minus strand). VCF-style: chr6-63720759-T-G. GRCh37 (hg19) VCF-style: chr6-64430655-T-G.
Other names: c.*7051T>G (NM_001290259.2, NM_001370348.2, NM_001370349.2 and 2 more transcripts); c.9335A>C, p.Glu3112Ala (NM_001292009.2); short protein forms E3112A, E3091A.
Identifiers: ClinVar variation 1039162 (VCV001039162.9), dbSNP rs1768345799, ClinGen allele CA364382860.